The following is an entry in ClinVar:

NM_001252102.2(KIF21B):c.65A>G (p.Glu22Gly)

Gene: KIF21B (kinesin family member 21B; minus strand). Cytogenetic location: 1q32.1.
Variant type: single nucleotide variant.
Coding change: c.65A>G on transcript NM_001252102.2 (MANE Select); coding-DNA position 65, A replaced by G.
Protein change: p.Glu22Gly; replaces glutamic acid 22 with glycine.
Molecular consequence: missense variant.
Genome position (GRCh38, 1-based): chr1:201,009,465, T>C on the plus strand (A>G on the coding strand, the complement: KIF21B is on the minus strand). VCF-style: chr1-201009465-T-C. GRCh37 (hg19) VCF-style: chr1-200978593-T-C.
Other names: c.65A>G, p.Glu22Gly (NM_017596.4, NM_001252103.2, NM_001252100.2); short protein forms E22G.
Identifiers: ClinVar variation 5017359 (VCV005017359.1).
Genomic context (GRCh38, chr1:201,009,465, plus strand): 5'-AGCAGGACCTGGGGCTCTCCCGGGGTAACAGAGGTACAGATGTGACAGCCCTCAATCTTC[T>C]CCTTCGACAGCTGGGGCCGGATCCTGCCCATGATGGAGAGAGCCCTGGGTCAGGCCCAGC-3'
Protein context (NP_001239031.1, residues 12-32): AVRIRPQLSK[Glu22Gly]KIEGCHICTS

ClinVar aggregate classification (germline): Uncertain significance (1 of 4 stars; one submission).

gnomAD v4.1: 1 of 1,614,138 alleles (0.000062%); highest among the groups gnomAD compares: Non-Finnish European, 0.000085%; no homozygotes.

Submission:

GeneDx
Classification: Uncertain significance. Last evaluated: 2026-03-24. Review status: criteria provided, single submitter. Criteria: GeneDx Variant Classification Process June 2021. Collection method: clinical testing. Allele origin: germline.
Comment: Not observed at significant frequency in large population cohorts (gnomAD); In silico analysis supports that this missense variant has a deleterious effect on protein structure/function; Has not been previously published as pathogenic or benign to our knowledge